The following is an entry in ClinVar:

NM_001184.4(ATR):c.5313C>A (p.Asn1771Lys)

Gene: ATR (ATR checkpoint kinase; minus strand). Cytogenetic location: 3q23.
Variant type: single nucleotide variant.
Coding change: c.5313C>A on transcript NM_001184.4 (MANE Select); coding-DNA position 5313, C replaced by A.
Protein change: p.Asn1771Lys; replaces asparagine 1771 with lysine.
Molecular consequence: missense variant.
Genome position (GRCh38, 1-based): chr3:142,499,694, G>T on the plus strand (C>A on the coding strand, the complement: ATR is on the minus strand). VCF-style: chr3-142499694-G-T. GRCh37 (hg19) VCF-style: chr3-142218536-G-T.
Other names: c.5121C>A, p.Asn1707Lys (NM_001354579.2); short protein forms N1707K, N1771K.
Identifiers: ClinVar variation 2447385 (VCV002447385.5), dbSNP rs1559941155, ClinGen allele CA354817171.

ClinVar aggregate classification (germline): Uncertain significance. Review status: criteria provided, multiple submitters, no conflicts (2 of 4 stars). 2 submissions from 2 submitters: Uncertain significance (2). Last evaluated 2024-04-22.

Conditions:
Inborn genetic diseases. Identifiers: MedGen C0950123, MeSH D030342.

Submissions (2):

Labcorp Genetics (formerly Invitae), Labcorp
Classification: Uncertain significance. Last evaluated: 2024-04-22. Review status: criteria provided, single submitter. Criteria: Invitae Variant Classification Sherloc (09022015). Collection method: clinical testing. Allele origin: germline.
Comment: This sequence change replaces asparagine, which is neutral and polar, with lysine, which is basic and polar, at codon 1771 of the ATR protein (p.Asn1771Lys). This variant is not present in population databases (gnomAD no frequency). This variant has not been reported in the literature in individuals affected with ATR-related conditions. ClinVar contains an entry for this variant (Variation ID: 2447385). An algorithm developed to predict the effect of missense changes on protein structure and function (PolyPhen-2) suggests that this variant is likely to be disruptive. In summary, the available evidence is currently insufficient to determine the role of this variant in disease. Therefore, it has been classified as a Variant of Uncertain Significance.

Ambry Genetics
Classification: Uncertain significance for Inborn genetic diseases. Last evaluated: 2022-12-08. Review status: criteria provided, single submitter. Criteria: Ambry Variant Classification Scheme 2023. Collection method: clinical testing. Allele origin: germline.
Comment: The p.N1771K variant (also known as c.5313C>A), located in coding exon 31 of the ATR gene, results from a C to A substitution at nucleotide position 5313. The asparagine at codon 1771 is replaced by lysine, an amino acid with similar properties. This amino acid position is conserved. In addition, this alteration is predicted to be tolerated by in silico analysis. Since supporting evidence is limited at this time, the clinical significance of this alteration remains unclear.